The following is an entry in ClinVar:

ClinVar aggregate classification (germline): Pathogenic/Likely pathogenic. Review status: criteria provided, multiple submitters, no conflicts (2 of 4 stars). 2 submissions from 2 submitters: Pathogenic (1); Likely pathogenic (1). Last evaluated 2025-09-02.

Conditions:
Asphyxiating thoracic dystrophy 5 (SRTD5). Also called: SHORT-RIB THORACIC DYSPLASIA 5 WITH OR WITHOUT POLYDACTYLY; SHORT-RIB THORACIC DYSPLASIA 5 WITHOUT POLYDACTYLY. Identifiers: Orphanet 474, MedGen C3280598, MONDO:0013717, OMIM 614376.
Senior-Loken syndrome 8 (SLSN8). Identifiers: Orphanet 3156, MedGen C4225376, MONDO:0014579, OMIM 616307.
Nephronophthisis 13 (NPHP13). Identifiers: Orphanet 655, MedGen C3280612, MONDO:0013718, OMIM 614377.
Cranioectodermal dysplasia 4 (CED4). Identifiers: Orphanet 1515, MedGen C3280616, MONDO:0013719, OMIM 614378.

Submissions (2):

Labcorp Genetics (formerly Invitae), Labcorp
Classification: Pathogenic for Senior-Loken syndrome 8; Asphyxiating thoracic dystrophy 5. Last evaluated: 2025-09-02. Review status: criteria provided, single submitter. Criteria: Invitae Variant Classification Sherloc (09022015). Collection method: clinical testing. Allele origin: germline.
Comment: This sequence change creates a premature translational stop signal (p.Tyr868Serfs*50) in the WDR19 gene. It is expected to result in an absent or disrupted protein product. Loss-of-function variants in WDR19 are known to be pathogenic (PMID: 22019273, 23559409, 23683095, 26275793, 27241786, 29068549). This variant is present in population databases (no rsID available, gnomAD 0.0009%). This variant has not been reported in the literature in individuals affected with WDR19-related conditions. ClinVar contains an entry for this variant (Variation ID: 1179139). For these reasons, this variant has been classified as Pathogenic.

Fulgent Genetics
Classification: Likely pathogenic for Asphyxiating thoracic dystrophy 5; Nephronophthisis 13; Cranioectodermal dysplasia 4; Senior-Loken syndrome 8. Last evaluated: 2021-06-30. Review status: criteria provided, single submitter. Criteria: ACMG Guidelines, 2015. Collection method: clinical testing. Allele origin: unknown.
Comment: This variant has been detected in individual(s) who were sent for testing of Renasight - kidney gene panel.

Literature cited by the submitters: PubMed 22019273 (cited by Labcorp Genetics (formerly Invitae), Labcorp); PubMed 23559409 (cited by Labcorp Genetics (formerly Invitae), Labcorp); PubMed 23683095 (cited by Labcorp Genetics (formerly Invitae), Labcorp); PubMed 26275793 (cited by Labcorp Genetics (formerly Invitae), Labcorp); PubMed 27241786 (cited by Labcorp Genetics (formerly Invitae), Labcorp); PubMed 29068549 (cited by Labcorp Genetics (formerly Invitae), Labcorp).

NM_025132.4(WDR19):c.2601_2602dup (p.Tyr868fs)

Gene: WDR19 (WD repeat domain 19; plus strand). Cytogenetic location: 4p14.
Variant type: Microsatellite.
Coding change: c.2601_2602dup on transcript NM_025132.4 (MANE Select); coding-DNA positions 2601 to 2602, 2 bases duplicated (CT; older notation c.2601_2602dupCT).
Protein change: p.Tyr868fs; shifts the reading frame from tyrosine 868.
Molecular consequence: frameshift variant.
Genome position (GRCh38, 1-based): chr4:39,244,508-39,244,509, CT duplicated; duplicating any 2 consecutive bases within chr4:39,244,505-39,244,509 gives the same sequence; the c. name uses the placement nearest the transcript's 3' end. VCF-style (leftmost placement, unchanged base first): chr4-39244504-G-GTC. GRCh37 (hg19) VCF-style: chr4-39246124-G-GTC.
Other names: c.2121_2122dup, p.Tyr708fs (NM_001317924.2); short protein forms Y708fs, Y868fs.
Identifiers: ClinVar variation 1179139 (VCV001179139.5), dbSNP rs1421636172, ClinGen allele CA550719907.